The following is an entry in ClinVar:

NM_000702.4(ATP1A2):c.1827+134A>G

Gene: ATP1A2 (ATPase Na+/K+ transporting subunit alpha 2; plus strand). Cytogenetic location: 1q23.2.
Variant type: single nucleotide variant.
Coding change: c.1827+134A>G on transcript NM_000702.4 (MANE Select); 134 bases into the intron after coding-DNA position 1827, A replaced by G.
Molecular consequence: intron variant.
Genome position (GRCh38, 1-based): chr1:160,130,731, A>G. VCF-style: chr1-160130731-A-G. GRCh37 (hg19) VCF-style: chr1-160100521-A-G.
Identifiers: ClinVar variation 677769 (VCV000677769.1), dbSNP rs74494644, ClinGen allele CA31498127.
Genomic context (GRCh38, chr1:160,130,731, plus strand): 5'-CCCTGGAAAGGCCCAGGCCACGGTGGCCTCCTTCCCACTGACTCAGAGAAGAAGCTGTCC[A>G]TCTGCAAGGAAAGGCCCACCCCTGCCTTGGGGCACTCACCCTTATCCCTTTTGCTCAGAG-3'

ClinVar aggregate classification (germline): Likely benign (1 of 4 stars; one submission).

Allele frequency attached by ClinVar (database versions not stated): gnomAD exomes 0.00244; gnomAD 0.00464 and 0.00465; TOPMed 0.00476; 1000 Genomes Project 0.00499; 1000 Genomes Project 30x 0.00562.
gnomAD v4.1: 3,494 of 1,298,644 alleles (0.27%); highest among the groups gnomAD compares: African/African-American, 1.2%; 14 homozygotes.

Submission:

GeneDx
Classification: Likely benign. Last evaluated: 2018-06-14. Review status: criteria provided, single submitter. Criteria: GeneDx Variant Classification (06012015). Collection method: clinical testing. Allele origin: germline. Affected: yes.
Comment: This variant is considered likely benign or benign based on one or more of the following criteria: it is a conservative change, it occurs at a poorly conserved position in the protein, it is predicted to be benign by multiple in silico algorithms, and/or has population frequency not consistent with disease.